The following is an entry in ClinVar:

NM_015041.3(CLUAP1):c.888C>G (p.Asn296Lys)

Gene: CLUAP1 (clusterin associated protein 1; plus strand). Cytogenetic location: 16p13.3.
Variant type: single nucleotide variant.
Coding change: c.888C>G on transcript NM_015041.3 (MANE Select); coding-DNA position 888, C replaced by G.
Protein change: p.Asn296Lys; replaces asparagine 296 with lysine.
Molecular consequence: missense variant.
Genome position (GRCh38, 1-based): chr16:3,526,444, C>G. VCF-style: chr16-3526444-C-G. GRCh37 (hg19) VCF-style: chr16-3576444-C-G.
Other names: c.888C>G, p.Asn296Lys (NM_001330454.2); c.390C>G, p.Asn130Lys (NM_024793.3); short protein forms N130K, N296K.
Identifiers: ClinVar variation 3494026 (VCV003494026.3).

ClinVar aggregate classification (germline): Uncertain significance. Review status: criteria provided, multiple submitters, no conflicts (2 of 4 stars). 2 submissions from 2 submitters: Uncertain significance (2). Last evaluated 2024-11-14.

gnomAD v4.1: 58 of 1,608,878 alleles (0.0036%); highest among the groups gnomAD compares: Non-Finnish European, 0.0049%; no homozygotes.

Submissions (2):

Ambry Genetics
Classification: Uncertain significance. Last evaluated: 2024-11-14. Review status: criteria provided, single submitter. Criteria: Ambry Variant Classification Scheme 2023. Collection method: clinical testing. Allele origin: germline.

Labcorp Genetics (formerly Invitae), Labcorp
Classification: Uncertain significance. Last evaluated: 2024-06-02. Review status: criteria provided, single submitter. Criteria: Invitae Variant Classification Sherloc (09022015). Collection method: clinical testing. Allele origin: germline.
Comment: This sequence change replaces asparagine, which is neutral and polar, with lysine, which is basic and polar, at codon 296 of the CLUAP1 protein (p.Asn296Lys). This variant is present in population databases (rs373849897, gnomAD 0.0009%). This variant has not been reported in the literature in individuals affected with CLUAP1-related conditions. Advanced modeling of protein sequence and biophysical properties (such as structural, functional, and spatial information, amino acid conservation, physicochemical variation, residue mobility, and thermodynamic stability) performed at Invitae indicates that this missense variant is not expected to disrupt CLUAP1 protein function with a negative predictive value of 80%. In summary, the available evidence is currently insufficient to determine the role of this variant in disease. Therefore, it has been classified as a Variant of Uncertain Significance.